The following is an entry in ClinVar:

ClinVar aggregate classification (germline): Uncertain significance (1 of 4 stars; one submission).

Conditions:
Inborn genetic diseases. Identifiers: MedGen C0950123, MeSH D030342.

gnomAD v4.1: 5 of 1,614,204 alleles (0.00031%); highest among the groups gnomAD compares: Non-Finnish European, 0.00042%; no homozygotes.

Submission:

Ambry Genetics
Classification: Uncertain significance for Inborn genetic diseases. Last evaluated: 2025-11-08. Review status: criteria provided, single submitter. Criteria: Ambry Variant Classification Scheme 2023. Collection method: clinical testing. Allele origin: germline.
Comment: The c.2753A>T (p.E918V) alteration is located in exon 23 (coding exon 23) of the SUPT16H gene. This alteration results from a A to T substitution at nucleotide position 2753, causing the glutamic acid (E) at amino acid position 918 to be replaced by a valine (V). Based on data from gnomAD, the T allele has an overall frequency of <0.001% (1/251404) total alleles studied. The highest observed frequency was 0.001% (1/113712) of European (non-Finnish) alleles. Based on insufficient or conflicting evidence, the clinical significance of this alteration remains unclear.

NM_007192.4(SUPT16H):c.2753A>T (p.Glu918Val)

Gene: SUPT16H (SPT16 homolog, facilitates chromatin remodeling subunit; minus strand). Cytogenetic location: 14q11.2.
Variant type: single nucleotide variant.
Coding change: c.2753A>T on transcript NM_007192.4 (MANE Select); coding-DNA position 2753, A replaced by T.
Protein change: p.Glu918Val; replaces glutamic acid 918 with valine.
Molecular consequence: missense variant.
Genome position (GRCh38, 1-based): chr14:21,354,448, T>A on the plus strand (A>T on the coding strand, the complement: SUPT16H is on the minus strand). VCF-style: chr14-21354448-T-A. GRCh37 (hg19) VCF-style: chr14-21822607-T-A.
Other names: short protein forms E918V.
Identifiers: ClinVar variation 4632488 (VCV004632488.1).